The following is an entry in ClinVar:

ClinVar aggregate classification (germline): Uncertain significance (1 of 4 stars; one submission).

Submission:

GeneDx
Classification: Uncertain significance. Last evaluated: 2014-04-18. Review status: criteria provided, single submitter. Criteria: GeneDx Variant Classification (06012015). Collection method: clinical testing. Allele origin: germline. Affected: yes.
Comment: p.Gly137Glu (GGA>GAA): c.410 G>A in exon 7 of the TCF4 gene (NM_001083962.1). The G137E variant has not been published as a mutation, nor has it been reported as a benign polymorphism to our knowledge. It was not observed in approximately 6,500 individuals of European and African American ancestry in the NHLBI Exome Sequencing Project, indicating it is not a common benign variant in these populations The G137E variant is a non-conservative amino acid substitution, which is likely to impact secondary protein structure as these residues differ in polarity, charge, size and/or other properties. This substitution occurs at a position that is conserved across species. However, G137E is not located in a known functional domain, whereas all previously published pathogenic missense mutations have been identified in the functional domains of the TCF4 protein (Whalen et al., 2012). In silico analysis predicts this variant likely does not alter the protein structure/function. Therefore, based on the currently available information, it is unclear whether this variant is a pathogenic mutation or a rare benign variant. The variant is found in EPILEPSY panel(s).

NM_001083962.2(TCF4):c.410G>A (p.Gly137Glu)

Gene: TCF4 (transcription factor 4; minus strand). Cytogenetic location: 18q21.2.
Variant type: single nucleotide variant.
Coding change: c.410G>A on transcript NM_001083962.2 (MANE Select); coding-DNA position 410, G replaced by A.
Protein change: p.Gly137Glu; replaces glycine 137 with glutamic acid.
Molecular consequence: missense variant.
Genome position (GRCh38, 1-based): chr18:55,350,963, C>T on the plus strand (G>A on the coding strand, the complement: TCF4 is on the minus strand). VCF-style: chr18-55350963-C-T. GRCh37 (hg19) VCF-style: chr18-53018194-C-T.
Other names: p.G137E:GGA>GAA; c.716G>A, p.Gly239Glu (NM_001243226.3); c.338G>A, p.Gly113Glu (NM_001243227.2, NM_001306207.1, NM_001348217.1 and 9 more transcripts); c.410G>A, p.Gly137Glu (NM_001243228.2, NM_001330604.3, NM_001369567.1 and 5 more transcripts); c.404G>A, p.Gly135Glu (NM_001243230.2); c.284G>A, p.Gly95Glu (NM_001243231.2, NM_001348211.2); c.197G>A, p.Gly66Glu (NM_001243232.1, NM_001306208.1); c.20G>A, p.Gly7Glu (NM_001243233.2, NM_001330605.3, NM_001348212.2 and 1 more transcripts); and 2 more; short protein forms G137E, G112E, G135E, G136E, G66E, G7E, G113E, G239E.
Identifiers: ClinVar variation 207531 (VCV000207531.2), dbSNP rs796053415, ClinGen allele CA319098.
Genomic context (GRCh38, chr18:55,350,963, plus strand): 5'-CGGGGATTATTGCTAGAATACTGATAGTACTGGGAACCAGGTTTGGTGGGCGAAAGGGTT[C>T]CTGGGTTGCCCATATCCATGTCACCTCCAAGGAGACTCTGCTAAAAGGTTAAAAAGGGAA-3'
Protein context (NP_001077431.1, residues 127-147): LGGDMDMGNP[Gly137Glu]TLSPTKPGSQ